The following is an entry in ClinVar:

NM_006567.5(FARS2):c.945A>G (p.Gly315=)

Gene: FARS2 (phenylalanyl-tRNA synthetase 2, mitochondrial; plus strand). Cytogenetic location: 6p25.1.
Variant type: single nucleotide variant.
Coding change: c.945A>G on transcript NM_006567.5 (MANE Select); coding-DNA position 945, A replaced by G.
Protein change: p.Gly315=; no amino-acid change (glycine 315 retained).
Molecular consequence: synonymous variant.
Genome position (GRCh38, 1-based): chr6:5,545,220, A>G. VCF-style: chr6-5545220-A-G. GRCh37 (hg19) VCF-style: chr6-5545453-A-G.
Other names: c.945A>G, p.Gly315= (NM_001318872.2, NM_001374875.1, NM_001374876.1 and 4 more transcripts); c.813A>G, p.Gly271= (NM_001375258.1); c.249A>G, p.Gly83= (NM_001375259.1, NM_001375260.1).
Identifiers: ClinVar variation 385435 (VCV000385435.10), dbSNP rs1057522221, ClinGen allele CA16605554.

ClinVar aggregate classification (germline): Likely benign. Review status: criteria provided, multiple submitters, no conflicts (2 of 4 stars). 3 submissions from 3 submitters: Likely benign (3). Last evaluated 2026-07-01.

Conditions:
Combined oxidative phosphorylation defect type 14. Also called: Combined oxidative phosphorylation deficiency 14. Identifiers: Orphanet 319519, MedGen C4755312, MONDO:0013986, OMIM 614946.

Allele frequency attached by ClinVar (database versions not stated): gnomAD exomes 0.00001; TOPMed 0.00002.
gnomAD v4.1: 12 of 1,613,996 alleles (0.00074%); highest among the groups gnomAD compares: Non-Finnish European, 0.001%; no homozygotes.

Submissions (3):

CeGaT Center for Human Genetics Tuebingen
Classification: Likely benign. Last evaluated: 2026-07-01. Review status: criteria provided, single submitter. Criteria: CeGaT Center For Human Genetics Tuebingen Variant Classification Criteria Version 2. Collection method: clinical testing. Allele origin: germline. Affected: yes. Observed: 1 variant allele.
Comment: FARS2: BP4, BP7

Labcorp Genetics (formerly Invitae), Labcorp
Classification: Likely benign for Combined oxidative phosphorylation defect type 14. Last evaluated: 2024-03-11. Review status: criteria provided, single submitter. Criteria: Invitae Variant Classification Sherloc (09022015). Collection method: clinical testing. Allele origin: germline.

GeneDx
Classification: Likely benign. Last evaluated: 2016-04-15. Review status: criteria provided, single submitter. Criteria: GeneDx Variant Classification (06012015). Collection method: clinical testing. Allele origin: germline. Affected: yes.
Comment: This variant is considered likely benign or benign based on one or more of the following criteria: it is a conservative change, it occurs at a poorly conserved position in the protein, it is predicted to be benign by multiple in silico algorithms, and/or has population frequency not consistent with disease.